The following is an entry in ClinVar:

ClinVar aggregate classification (germline): Uncertain significance (1 of 4 stars; one submission).

Conditions:
Primary ciliary dyskinesia. Also called: Ciliary dyskinesia. Identifiers: Orphanet 244, MedGen C0008780, MONDO:0016575, HP:0012265.

Allele frequency attached by ClinVar (database versions not stated): gnomAD 0.00016 and 0.00018; TOPMed 0.00018; ESP Exome Variant Server 0.00025; gnomAD exomes 0.00025; ExAC 0.00031.
gnomAD v4.1: 500 of 1,570,618 alleles (0.032%); highest among the groups gnomAD compares: Non-Finnish European, 0.042%; 1 homozygote.

Submission:

Labcorp Genetics (formerly Invitae), Labcorp
Classification: Uncertain significance for Primary ciliary dyskinesia. Last evaluated: 2022-04-25. Review status: criteria provided, single submitter. Criteria: Invitae Variant Classification Sherloc (09022015). Collection method: clinical testing. Allele origin: germline.
Comment: This sequence change replaces glutamic acid, which is acidic and polar, with lysine, which is basic and polar, at codon 1216 of the DNAH11 protein (p.Glu1216Lys). This variant is present in population databases (rs201197846, gnomAD 0.05%), including at least one homozygous and/or hemizygous individual. This variant has not been reported in the literature in individuals affected with DNAH11-related conditions. ClinVar contains an entry for this variant (Variation ID: 573903). Algorithms developed to predict the effect of missense changes on protein structure and function output the following: SIFT: "Deleterious"; PolyPhen-2: "Benign"; Align-GVGD: "Class C0". The lysine amino acid residue is found in multiple mammalian species, which suggests that this missense change does not adversely affect protein function. In summary, the available evidence is currently insufficient to determine the role of this variant in disease. Therefore, it has been classified as a Variant of Uncertain Significance.

NM_001277115.2(DNAH11):c.3646G>A (p.Glu1216Lys)

Gene: DNAH11 (dynein axonemal heavy chain 11; plus strand). Cytogenetic location: 7p15.3.
Variant type: single nucleotide variant.
Coding change: c.3646G>A on transcript NM_001277115.2 (MANE Select); coding-DNA position 3646, G replaced by A.
Protein change: p.Glu1216Lys; replaces glutamic acid 1216 with lysine.
Molecular consequence: missense variant.
Genome position (GRCh38, 1-based): chr7:21,601,616, G>A. VCF-style: chr7-21601616-G-A. GRCh37 (hg19) VCF-style: chr7-21641234-G-A.
Other names: short protein forms E1216K.
Identifiers: ClinVar variation 573903 (VCV000573903.3), dbSNP rs201197846, ClinGen allele CA4179687.